The following is an entry in ClinVar:

ClinVar aggregate classification (germline): Uncertain significance (1 of 4 stars; one submission).

Submission:

Dasa
Classification: Uncertain significance. Last evaluated: 2025-01-15. Review status: criteria provided, single submitter. Criteria: DASA Assertion Criteria. Collection method: clinical testing. Allele origin: germline.
Comment: NM_019098.5(CNGB3):c.590T>C (p.Leu197Ser) is a missense variant that results in the substitution of leucine with serine. This variant is absent from population databases. Computational prediction algorithms are consistent with a benign effect. The currently available literature and clinical evidence are not sufficient to establish a definitive association between this variant and the reported condition. Therefore, this variant is classified as a variant of uncertain significance.

NM_019098.5(CNGB3):c.590T>C (p.Leu197Ser)

Gene: CNGB3 (cyclic nucleotide gated channel subunit beta 3; minus strand). Cytogenetic location: 8q21.3.
Variant type: single nucleotide variant.
Coding change: c.590T>C on transcript NM_019098.5 (MANE Select); coding-DNA position 590, T replaced by C.
Protein change: p.Leu197Ser; replaces leucine 197 with serine.
Molecular consequence: missense variant.
Genome position (GRCh38, 1-based): chr8:86,668,072, A>G on the plus strand (T>C on the coding strand, the complement: CNGB3 is on the minus strand). VCF-style: chr8-86668072-A-G. GRCh37 (hg19) VCF-style: chr8-87680300-A-G.
Other names: short protein forms L197S.
Identifiers: ClinVar variation 4881407 (VCV004881407.2).